The following is an entry in ClinVar:

ClinVar aggregate classification (germline): Uncertain significance. Review status: criteria provided, multiple submitters, no conflicts (2 of 4 stars). 2 submissions from 2 submitters: Uncertain significance (2). Last evaluated 2026-05-28.

Conditions:
Cardiovascular phenotype. Identifiers: MedGen CN230736.
Cardiomyopathy (CMYO). Also called: Cardiomyopathies. Identifiers: Orphanet 167848, MedGen C0878544, MONDO:0004994, HP:0001638. Inheritance: Various modes of inheritance.

Submissions (2):

Ambry Genetics
Classification: Uncertain significance for Cardiovascular phenotype. Last evaluated: 2026-05-28. Review status: criteria provided, single submitter. Criteria: Ambry Variant Classification Scheme 2023. Collection method: clinical testing. Allele origin: germline.
Comment: The c.7806_7807delCGinsTA variant (also known as p.A2603T), located in coding exon 51 of the RYR2 gene, results from an in-frame deletion of CG and insertion of TA at nucleotide positions 7806 to 7807. This results in the substitution of the alanine residue for a threonine residue at codon 2603, an amino acid with similar properties. This amino acid position is not well conserved in available vertebrate species. In addition, the in silico prediction for this variant is inconclusive. Based on data from gnomAD, the c.7806C>T alteration was observed in 47.8% (109982/230194) of total alleles studied, with a frequency of 79.4% (12757/16068) in the East Asian subpopulation. The c.7807G>A alteration was observed in 0.011% (22/197538) of total alleles studied, with a frequency of 0.077% (11/14300) in the East Asian subpopulation. Based on the available evidence, the clinical significance of this variant remains unclear.

Color Diagnostics, LLC DBA Color Health
Classification: Uncertain significance for Cardiomyopathy. Last evaluated: 2022-11-08. Review status: criteria provided, single submitter. Criteria: ACMG Guidelines, 2015. Collection method: clinical testing. Allele origin: germline.
Comment: This missense variant replaces alanine with threonine at codon 2603 of the RYR2 protein. To our knowledge, functional studies have not been reported for this variant. This variant has not been reported in individuals affected with cardiovascular disorders in the literature. This variant has not been identified in the general population by the Genome Aggregation Database (gnomAD). A different nucleotide change (RYR2, c.7807G>A, p.Ala2603Thr, ClinVar variation ID: 191485) with the same protein consequence has been reported in an individual affected with catecholaminergic polymorphic ventricular tachycardia (PMID: 34546463). The available evidence is insufficient to determine the role of c.7806_7807delinsTA in disease conclusively. Therefore, this variant is classified as a Variant of Uncertain Significance.

Literature cited by the submitters: PubMed 34546463 (cited by Color Diagnostics, LLC DBA Color Health).

NM_001035.3(RYR2):c.7806_7807delinsTA (p.Ala2603Thr)

Gene: RYR2 (ryanodine receptor 2; plus strand). Cytogenetic location: 1q43.
Variant type: Indel.
Coding change: c.7806_7807delinsTA on transcript NM_001035.3 (MANE Select); coding-DNA positions 7806 to 7807, CG replaced by TA.
Protein change: p.Ala2603Thr; replaces alanine 2603 with threonine.
Molecular consequence: missense variant.
Genome position (GRCh38, 1-based): chr1:237,651,483-237,651,484, CG replaced by TA. VCF-style: chr1-237651483-CG-TA. GRCh37 (hg19) VCF-style: chr1-237814783-CG-TA.
Other names: c.7806_7807delCGinsTA (NM_001035.2); short protein forms A2603T.
Identifiers: ClinVar variation 2774331 (VCV002774331.3), dbSNP rs2547050093, ClinGen allele CA2697547739.